The following is an entry in ClinVar:

NM_182641.4(BPTF):c.2824A>G (p.Met942Val)

Gene: BPTF (bromodomain PHD finger transcription factor; plus strand). Cytogenetic location: 17q24.2.
Variant type: single nucleotide variant.
Coding change: c.2824A>G on transcript NM_182641.4 (MANE Select); coding-DNA position 2824, A replaced by G.
Protein change: p.Met942Val; replaces methionine 942 with valine.
Molecular consequence: missense variant.
Genome position (GRCh38, 1-based): chr17:67,909,593, A>G. VCF-style: chr17-67909593-A-G. GRCh37 (hg19) VCF-style: chr17-65905709-A-G.
Other names: c.3202A>G, p.Met1068Val (NM_004459.7); short protein forms M942V, M1068V.
Identifiers: ClinVar variation 2047379 (VCV002047379.5), dbSNP rs770378445, ClinGen allele CA8725536.

ClinVar aggregate classification (germline): Uncertain significance. Review status: criteria provided, multiple submitters, no conflicts (2 of 4 stars). 2 submissions from 2 submitters: Uncertain significance (2). Last evaluated 2025-10-16.

Allele frequency attached by ClinVar (database versions not stated): gnomAD 0.00001; gnomAD exomes 0.00001; TOPMed 0.00002; ExAC 0.00003.
gnomAD v4.1: 15 of 1,552,570 alleles (0.00097%); highest among the groups gnomAD compares: Admixed American, 0.0021%; no homozygotes.

Submissions (2):

Women's Health and Genetics/Laboratory Corporation of America, LabCorp
Classification: Uncertain significance. Last evaluated: 2025-10-16. Review status: criteria provided, single submitter. Criteria: LabCorp Variant Classification Summary - May 2015. Collection method: clinical testing. Allele origin: germline.
Comment: Variant summary: BPTF c.3202A>G (p.Met1068Val) results in a conservative amino acid change in the encoded protein sequence. Algorithms developed to predict the effect of missense changes on protein structure and function all suggest that this variant is likely to be tolerated. The variant allele was found at a frequency of 1.4e-05 in 214630 control chromosomes. The available data on variant occurrences in the general population are insufficient to allow any conclusion about variant significance. To our knowledge, no occurrence of c.3202A>G in individuals affected with BPTF-related conditions and no experimental evidence demonstrating its impact on protein function have been reported. ClinVar contains an entry for this variant (Variation ID: 2047379). Based on the evidence outlined above, the variant was classified as uncertain significance.

Labcorp Genetics (formerly Invitae), Labcorp
Classification: Uncertain significance. Last evaluated: 2025-01-13. Review status: criteria provided, single submitter. Criteria: Invitae Variant Classification Sherloc (09022015). Collection method: clinical testing. Allele origin: germline.
Comment: This sequence change replaces methionine, which is neutral and non-polar, with valine, which is neutral and non-polar, at codon 1068 of the BPTF protein (p.Met1068Val). This variant is present in population databases (rs770378445, gnomAD 0.002%). This variant has not been reported in the literature in individuals affected with BPTF-related conditions. ClinVar contains an entry for this variant (Variation ID: 2047379). An algorithm developed to predict the effect of missense changes on protein structure and function outputs the following: PolyPhen-2: "Benign". The valine amino acid residue is found in multiple mammalian species, which suggests that this missense change does not adversely affect protein function. In summary, the available evidence is currently insufficient to determine the role of this variant in disease. Therefore, it has been classified as a Variant of Uncertain Significance.